The following is an entry in ClinVar:

NM_022489.4(INF2):c.3598G>C (p.Asp1200His)

Gene: INF2 (inverted formin 2; plus strand). Cytogenetic location: 14q32.33.
Variant type: single nucleotide variant.
Coding change: c.3598G>C on transcript NM_022489.4 (MANE Select); coding-DNA position 3598, G replaced by C.
Protein change: p.Asp1200His; replaces aspartic acid 1200 with histidine.
Molecular consequence: missense variant.
Genome position (GRCh38, 1-based): chr14:104,714,760, G>C. VCF-style: chr14-104714760-G-C. GRCh37 (hg19) VCF-style: chr14-105181097-G-C.
Other names: c.3598G>C, p.Asp1200His (NM_001031714.4); short protein forms D1200H.
Identifiers: ClinVar variation 472856 (VCV000472856.8), dbSNP rs764338863, ClinGen allele CA7373315.

ClinVar aggregate classification (germline): Uncertain significance (1 of 4 stars; one submission).

Conditions:
Focal segmental glomerulosclerosis 5 (FSGS5). Identifiers: Orphanet 656, MedGen C2750475, MONDO:0013191, OMIM 613237.
Charcot-Marie-Tooth disease dominant intermediate E. Also called: CHARCOT-MARIE-TOOTH NEUROPATHY WITH FOCAL SEGMENTAL GLOMERULONEPHRITIS. Identifiers: Orphanet 93114, MedGen C4302667, MONDO:0013758, OMIM 614455.

gnomAD v4.1: 24 of 1,599,648 alleles (0.0015%); highest among the groups gnomAD compares: Middle Eastern, 0.033%; no homozygotes.

Submission:

Labcorp Genetics (formerly Invitae), Labcorp
Classification: Uncertain significance for Charcot-Marie-Tooth disease dominant intermediate E; Focal segmental glomerulosclerosis 5. Last evaluated: 2024-06-10. Review status: criteria provided, single submitter. Criteria: Invitae Variant Classification Sherloc (09022015). Collection method: clinical testing. Allele origin: germline.
Comment: This sequence change replaces aspartic acid, which is acidic and polar, with histidine, which is basic and polar, at codon 1200 of the INF2 protein (p.Asp1200His). This variant is present in population databases (rs764338863, gnomAD 0.02%). This variant has not been reported in the literature in individuals affected with INF2-related conditions. ClinVar contains an entry for this variant (Variation ID: 472856). Advanced modeling of protein sequence and biophysical properties (such as structural, functional, and spatial information, amino acid conservation, physicochemical variation, residue mobility, and thermodynamic stability) has been performed at Invitae for this missense variant, however the output from this modeling did not meet the statistical confidence thresholds required to predict the impact of this variant on INF2 protein function. In summary, the available evidence is currently insufficient to determine the role of this variant in disease. Therefore, it has been classified as a Variant of Uncertain Significance.